The following is an entry in ClinVar:

ClinVar aggregate classification (germline): Uncertain significance (1 of 4 stars; one submission).

Allele frequency attached by ClinVar (database versions not stated): gnomAD exomes below 0.00001.

Submission:

Labcorp Genetics (formerly Invitae), Labcorp
Classification: Uncertain significance. Last evaluated: 2022-08-09. Review status: criteria provided, single submitter. Criteria: Invitae Variant Classification Sherloc (09022015). Collection method: clinical testing. Allele origin: germline.
Comment: In summary, the available evidence is currently insufficient to determine the role of this variant in disease. Therefore, it has been classified as a Variant of Uncertain Significance. Algorithms developed to predict the effect of missense changes on protein structure and function (SIFT, PolyPhen-2, Align-GVGD) all suggest that this variant is likely to be disruptive. This variant has not been reported in the literature in individuals affected with CACNA1D-related conditions. This variant is not present in population databases (gnomAD no frequency). This sequence change replaces glutamic acid, which is acidic and polar, with lysine, which is basic and polar, at codon 725 of the CACNA1D protein (p.Glu725Lys).

NM_001128840.3(CACNA1D):c.2113G>A (p.Glu705Lys)

Gene: CACNA1D (calcium voltage-gated channel subunit alpha1 D; plus strand). Cytogenetic location: 3p21.1.
Variant type: single nucleotide variant.
Coding change: c.2113G>A on transcript NM_001128840.3 (MANE Select); coding-DNA position 2113, G replaced by A.
Protein change: p.Glu705Lys; replaces glutamic acid 705 with lysine.
Molecular consequence: missense variant.
Genome position (GRCh38, 1-based): chr3:53,726,891, G>A. VCF-style: chr3-53726891-G-A. GRCh37 (hg19) VCF-style: chr3-53760918-G-A.
Other names: c.2173G>A, p.Glu725Lys (NM_000720.4); c.2113G>A, p.Glu705Lys (NM_001128839.3); short protein forms E705K, E725K.
Identifiers: ClinVar variation 2135599 (VCV002135599.4), dbSNP rs2094940605, ClinGen allele CA353238722.